The following is an entry in ClinVar:

ClinVar aggregate classification (germline): Pathogenic/Likely pathogenic. Review status: criteria provided, multiple submitters, no conflicts (2 of 4 stars). 4 submissions from 4 submitters: Pathogenic (1); Likely pathogenic (3). Last evaluated 2026-01-12.

Conditions:
Gastrointestinal defects and immunodeficiency syndrome 1 (GIDID1). Also called: Combined immunodeficiency-enteropathy spectrum. Identifiers: Orphanet 436252, MedGen C5968858, MONDO:0800030, OMIM 243150.
Multiple gastrointestinal atresias. Also called: Multiple intestinal atresia; FAMILIAL INTESTINAL POLYATRESIA SYNDROME. Identifiers: Orphanet 2300, MedGen C0220744, MONDO:0009465.

Allele frequency attached by ClinVar (database versions not stated): gnomAD exomes below 0.00001; gnomAD 0.00002; TOPMed 0.00002.
gnomAD v4.1: 15 of 1,608,894 alleles (0.00093%); highest among the groups gnomAD compares: African/African-American, 0.0053%; no homozygotes.

Submissions (4):

Labcorp Genetics (formerly Invitae), Labcorp
Classification: Likely pathogenic for Multiple gastrointestinal atresias. Last evaluated: 2026-01-12. Review status: criteria provided, single submitter. Criteria: Invitae Variant Classification Sherloc (09022015). Collection method: clinical testing. Allele origin: germline.
Comment: This sequence change affects an acceptor splice site in intron 17 of the TTC7A gene. It is expected to disrupt RNA splicing. Variants that disrupt the donor or acceptor splice site typically lead to a loss of protein function (PMID: 16199547), and loss-of-function variants in TTC7A are known to be pathogenic (PMID: 23830146, 24292712). This variant is present in population databases (no rsID available, gnomAD 0.0009%). This variant has not been reported in the literature in individuals affected with TTC7A-related conditions. ClinVar contains an entry for this variant (Variation ID: 1320635). Algorithms developed to predict the effect of sequence changes on RNA splicing suggest that this variant may disrupt the consensus splice site. In summary, the currently available evidence indicates that the variant is pathogenic, but additional data are needed to prove that conclusively. Therefore, this variant has been classified as Likely Pathogenic.

AiLife Diagnostics
Classification: Likely pathogenic. Last evaluated: 2022-03-30. Review status: criteria provided, single submitter. Criteria: ACMG Guidelines, 2015. Collection method: clinical testing. Allele origin: germline. Affected: yes. Observed: 1 variant allele.

GeneDx
Classification: Likely pathogenic. Last evaluated: 2021-05-26. Review status: criteria provided, single submitter. Criteria: GeneDx Variant Classification Process June 2021. Collection method: clinical testing. Allele origin: germline. Affected: yes.
Comment: Canonical splice site variant expected to result in aberrant splicing, although in the absence of functional evidence the actual effect of this sequence change is unknown.; Not observed at a significant frequency in large population cohorts (Lek et al., 2016); Identified in the heterozygous state and described as c.2090-1G>C due to alternate nomenclature, in a patient with gastrointestinal defects and immunodeficiency syndrome (Hou et al., 2020); This variant is associated with the following publications: (PMID: 31980526)

Revvity Omics, Revvity
Classification: Pathogenic for Gastrointestinal defects and immunodeficiency syndrome 1. Last evaluated: 2019-08-22. Review status: criteria provided, single submitter. Criteria: ACMG Guidelines, 2015. Collection method: clinical testing. Allele origin: germline.

Literature cited by the submitters: PubMed 16199547 (cited by Labcorp Genetics (formerly Invitae), Labcorp); PubMed 23830146 (cited by Labcorp Genetics (formerly Invitae), Labcorp); PubMed 24292712 (cited by Labcorp Genetics (formerly Invitae), Labcorp); PubMed 31980526 (cited by AiLife Diagnostics).

NM_020458.4(TTC7A):c.2018-1G>C

Gene: TTC7A (tetratricopeptide repeat domain 7A; plus strand). Cytogenetic location: 2p21.
Variant type: single nucleotide variant.
Coding change: c.2018-1G>C on transcript NM_020458.4 (MANE Select); the canonical splice acceptor site of the intron before coding-DNA position 2018, G replaced by C.
Molecular consequence: splice acceptor variant.
Genome position (GRCh38, 1-based): chr2:47,051,745, G>C. VCF-style: chr2-47051745-G-C. GRCh37 (hg19) VCF-style: chr2-47278884-G-C.
Other names: c.1916-1G>C (NM_001288953.2); c.2090-1G>C (NM_001288951.2); c.956-1G>C (NM_001288955.2).
Identifiers: ClinVar variation 1320635 (VCV001320635.19), dbSNP rs948534045, ClinGen allele CA46626566.
Genomic context (GRCh38, chr2:47,051,745, plus strand): 5'-CTGGGGCCTGCAACGTGTGGACCTCTGACCACTGCTCGGCTCGTGCCCTCTTGCTCTGCA[G>C]GCTCCCGGCGGGCTTCGTCCATCGCCGCCTCCCGGCTGGAGGAGGCCATGTCAGAGCTGA-3'